The following is an entry in ClinVar:

NM_020928.2(ZSWIM6):c.1934A>G (p.Glu645Gly)

Gene: ZSWIM6 (zinc finger SWIM-type containing 6; plus strand). Cytogenetic location: 5q12.1.
Variant type: single nucleotide variant.
Coding change: c.1934A>G on transcript NM_020928.2 (MANE Select); coding-DNA position 1934, A replaced by G.
Protein change: p.Glu645Gly; replaces glutamic acid 645 with glycine.
Molecular consequence: missense variant.
Genome position (GRCh38, 1-based): chr5:61,530,148, A>G. VCF-style: chr5-61530148-A-G. GRCh37 (hg19) VCF-style: chr5-60825975-A-G.
Other names: short protein forms E645G.
Identifiers: ClinVar variation 1925720 (VCV001925720.5), dbSNP rs954825742, ClinGen allele CA119662897.

ClinVar aggregate classification (germline): Uncertain significance (1 of 4 stars; one submission).

gnomAD v4.1: 1 of 1,551,838 alleles (0.000064%); no homozygotes.

Submission:

Labcorp Genetics (formerly Invitae), Labcorp
Classification: Uncertain significance. Last evaluated: 2023-11-07. Review status: criteria provided, single submitter. Criteria: Invitae Variant Classification Sherloc (09022015). Collection method: clinical testing. Allele origin: germline.
Comment: This sequence change replaces glutamic acid, which is acidic and polar, with glycine, which is neutral and non-polar, at codon 645 of the ZSWIM6 protein (p.Glu645Gly). This variant is not present in population databases (gnomAD no frequency). This variant has not been reported in the literature in individuals affected with ZSWIM6-related conditions. ClinVar contains an entry for this variant (Variation ID: 1925720). Advanced modeling of protein sequence and biophysical properties (such as structural, functional, and spatial information, amino acid conservation, physicochemical variation, residue mobility, and thermodynamic stability) performed at Invitae indicates that this missense variant is not expected to disrupt ZSWIM6 protein function with a negative predictive value of 80%. In summary, the available evidence is currently insufficient to determine the role of this variant in disease. Therefore, it has been classified as a Variant of Uncertain Significance.